The following is an entry in ClinVar:

ClinVar aggregate classification (germline): Uncertain significance (1 of 4 stars; one submission).

Submission:

Labcorp Genetics (formerly Invitae), Labcorp
Classification: Uncertain significance. Last evaluated: 2022-05-30. Review status: criteria provided, single submitter. Criteria: Invitae Variant Classification Sherloc (09022015). Collection method: clinical testing. Allele origin: germline.
Comment: In summary, the available evidence is currently insufficient to determine the role of this variant in disease. Therefore, it has been classified as a Variant of Uncertain Significance. Algorithms developed to predict the effect of missense changes on protein structure and function output the following: SIFT: "Not Available"; PolyPhen-2: "Benign"; Align-GVGD: "Not Available". The valine amino acid residue is found in multiple mammalian species, which suggests that this missense change does not adversely affect protein function. This variant has not been reported in the literature in individuals affected with TMPRSS15-related conditions. This variant is not present in population databases (gnomAD no frequency). This sequence change replaces alanine, which is neutral and non-polar, with valine, which is neutral and non-polar, at codon 421 of the TMPRSS15 protein (p.Ala421Val).

NM_002772.3(TMPRSS15):c.1262C>T (p.Ala421Val)

Gene: TMPRSS15 (transmembrane serine protease 15; minus strand). Cytogenetic location: 21q21.1.
Variant type: single nucleotide variant.
Coding change: c.1262C>T on transcript NM_002772.3 (MANE Select); coding-DNA position 1262, C replaced by T.
Protein change: p.Ala421Val; replaces alanine 421 with valine.
Molecular consequence: missense variant.
Genome position (GRCh38, 1-based): chr21:18,343,970, G>A on the plus strand (C>T on the coding strand, the complement: TMPRSS15 is on the minus strand). VCF-style: chr21-18343970-G-A. GRCh37 (hg19) VCF-style: chr21-19716287-G-A.
Other names: short protein forms A421V.
Identifiers: ClinVar variation 2000976 (VCV002000976.4), dbSNP rs2516702761, ClinGen allele CA409851008.